The following is an entry in ClinVar:

ClinVar aggregate classification (germline): Uncertain significance (1 of 4 stars; one submission).

Conditions:
Pitt-Hopkins-like syndrome 2 (PTHSL2). Identifiers: Orphanet 221150, Orphanet 600663, MedGen C3280479, MONDO:0013690, OMIM 614325.

gnomAD v4.1: 4 of 1,613,806 alleles (0.00025%); highest among the groups gnomAD compares: Non-Finnish European, 0.00034%; no homozygotes.

Submission:

Labcorp Genetics (formerly Invitae), Labcorp
Classification: Uncertain significance for Pitt-Hopkins-like syndrome 2. Last evaluated: 2022-06-29. Review status: criteria provided, single submitter. Criteria: Invitae Variant Classification Sherloc (09022015). Collection method: clinical testing. Allele origin: germline.
Comment: In summary, the available evidence is currently insufficient to determine the role of this variant in disease. Therefore, it has been classified as a Variant of Uncertain Significance. Algorithms developed to predict the effect of missense changes on protein structure and function (SIFT, PolyPhen-2, Align-GVGD) all suggest that this variant is likely to be tolerated. This variant has not been reported in the literature in individuals affected with NRXN1-related conditions. This variant is not present in population databases (gnomAD no frequency). This sequence change replaces alanine, which is neutral and non-polar, with serine, which is neutral and polar, at codon 1451 of the NRXN1 protein (p.Ala1451Ser).

NM_001330078.2(NRXN1):c.4231G>T (p.Ala1411Ser)

Gene: NRXN1 (neurexin 1; minus strand). Cytogenetic location: 2p16.3.
Variant type: single nucleotide variant.
Coding change: c.4231G>T on transcript NM_001330078.2 (MANE Select); coding-DNA position 4231, G replaced by T.
Protein change: p.Ala1411Ser; replaces alanine 1411 with serine.
Molecular consequence: missense variant.
Genome position (GRCh38, 1-based): chr2:49,922,237, C>A on the plus strand (G>T on the coding strand, the complement: NRXN1 is on the minus strand). VCF-style: chr2-49922237-C-A. GRCh37 (hg19) VCF-style: chr2-50149375-C-A.
Other names: c.4351G>T, p.Ala1451Ser (NM_001135659.3); c.136G>T, p.Ala46Ser (NM_001320156.4); c.127G>T, p.Ala43Ser (NM_001320157.4); c.4207G>T, p.Ala1403Ser (NM_001330077.2); c.4198G>T, p.Ala1400Ser (NM_001330082.2); c.4066G>T, p.Ala1356Ser (NM_001330083.2); c.4165G>T, p.Ala1389Ser (NM_001330084.2); c.4204G>T, p.Ala1402Ser (NM_001330085.2); and 12 more; short protein forms A1351S, A1356S, A1389S, A1451S, A43S, A1344S, A1364S, A1408S.
Identifiers: ClinVar variation 2092763 (VCV002092763.4), dbSNP rs2465627248, ClinGen allele CA346818795.